The following is an entry in ClinVar:

ClinVar aggregate classification (germline): Uncertain significance (1 of 4 stars; one submission).

Conditions:
Hereditary cancer-predisposing syndrome. Also called: Hereditary neoplastic syndrome; Neoplastic Syndromes, Hereditary; Tumor predisposition; Hereditary Cancer Syndrome. Identifiers: Orphanet 140162, MedGen C0027672, MeSH D009386, MONDO:0015356.

Submission:

Sema4
Classification: Uncertain significance for Hereditary cancer-predisposing syndrome. Last evaluated: 2021-08-11. Review status: criteria provided, single submitter. Criteria: Sema4 Curation Guidelines. Collection method: curation. Allele origin: germline.
Comment: The ATM c.5763-5T>G variant has not been reported in the literature to our knowledge. It was not observed in the large and broad cohorts of the Genome Aggregation Database, nor has it been reported in ClinVar. This variant does not overlap a splice site and algorithms developed to predict the effect of sequence changes on RNA splicing do not suggest negative effect on normal splicing. The evidence is insufficient to meet ACMG/AMP criteria for classifying the variant as benign or pathogenic. Thus, the clinical significance of this variant is currently uncertain.

NM_000051.4(ATM):c.5763-5T>G

Genes: ATM (ATM serine/threonine kinase; plus strand), C11orf65 (chromosome 11 open reading frame 65; minus strand). Cytogenetic location: 11q22.3.
Variant type: single nucleotide variant.
Coding change: c.5763-5T>G on transcript NM_000051.4 (MANE Select); 5 bases into the intron before coding-DNA position 5763, T replaced by G.
Molecular consequence: intron variant.
Genome position (GRCh38, 1-based): chr11:108,310,155, T>G. VCF-style: chr11-108310155-T-G. GRCh37 (hg19) VCF-style: chr11-108180882-T-G.
Other names: c.5763-5T>G (NM_001351834.2); c.641-1084A>C (NM_001330368.2); c.*39-1084A>C (NM_001351110.2).
Identifiers: ClinVar variation 1692802 (VCV001692802.1), dbSNP rs1555110219, ClinGen allele CA2573146716.